The following is an entry in ClinVar:

NM_004525.3(LRP2):c.9265G>A (p.Glu3089Lys)

Gene: LRP2 (LDL receptor related protein 2; minus strand). Cytogenetic location: 2q31.1.
Variant type: single nucleotide variant.
Coding change: c.9265G>A on transcript NM_004525.3 (MANE Select); coding-DNA position 9265, G replaced by A.
Protein change: p.Glu3089Lys; replaces glutamic acid 3089 with lysine.
Molecular consequence: missense variant.
Genome position (GRCh38, 1-based): chr2:169,188,033, C>T on the plus strand (G>A on the coding strand, the complement: LRP2 is on the minus strand). VCF-style: chr2-169188033-C-T. GRCh37 (hg19) VCF-style: chr2-170044543-C-T.
Other names: short protein forms E3089K.
Identifiers: ClinVar variation 893760 (VCV000893760.10), dbSNP rs745739674, ClinGen allele CA1953628.

ClinVar aggregate classification (germline): Uncertain significance. Review status: criteria provided, multiple submitters, no conflicts (2 of 4 stars). 3 submissions from 3 submitters: Uncertain significance (3). Last evaluated 2024-06-04.

Conditions:
Donnai-Barrow syndrome. Also called: DBS/FOAR SYNDROME; FACIOOCULOACOUSTICORENAL SYNDROME. Identifiers: Orphanet 2143, MedGen C1857277, MONDO:0009104, OMIM 222448.

Allele frequency attached by ClinVar (database versions not stated): gnomAD exomes below 0.00001; ExAC 0.00001; TOPMed 0.00002; gnomAD 0.00003 and 0.00004.
gnomAD v4.1: 17 of 1,613,980 alleles (0.0011%); highest among the groups gnomAD compares: African/African-American, 0.0027%; no homozygotes.

Submissions (3):

Fulgent Genetics
Classification: Uncertain significance for Donnai-Barrow syndrome. Last evaluated: 2024-06-04. Review status: criteria provided, single submitter. Criteria: ACMG Guidelines, 2015. Collection method: clinical testing. Allele origin: germline.

Labcorp Genetics (formerly Invitae), Labcorp
Classification: Uncertain significance. Last evaluated: 2022-07-06. Review status: criteria provided, single submitter. Criteria: Invitae Variant Classification Sherloc (09022015). Collection method: clinical testing. Allele origin: germline.
Comment: This sequence change replaces glutamic acid, which is acidic and polar, with lysine, which is basic and polar, at codon 3089 of the LRP2 protein (p.Glu3089Lys). This variant is present in population databases (rs745739674, gnomAD 0.002%). This variant has not been reported in the literature in individuals affected with LRP2-related conditions. ClinVar contains an entry for this variant (Variation ID: 893760). Advanced modeling of protein sequence and biophysical properties (such as structural, functional, and spatial information, amino acid conservation, physicochemical variation, residue mobility, and thermodynamic stability) performed at Invitae indicates that this missense variant is not expected to disrupt LRP2 protein function. In summary, the available evidence is currently insufficient to determine the role of this variant in disease. Therefore, it has been classified as a Variant of Uncertain Significance.

Illumina Laboratory Services, Illumina
Classification: Uncertain significance for Donnai-Barrow syndrome. Last evaluated: 2018-01-13. Review status: criteria provided, single submitter. Criteria: ICSL Variant Classification Criteria 13 December 2019. Collection method: clinical testing. Allele origin: germline.